The following is an entry in ClinVar:

NM_001367624.2(ZNF469):c.3959dup (p.Ala1321fs)

Gene: ZNF469 (zinc finger protein 469; plus strand). Cytogenetic location: 16q24.2.
Variant type: Duplication.
Coding change: c.3959dup on transcript NM_001367624.2 (MANE Select); coding-DNA position 3959, one base duplicated (C; older notation c.3959dupC).
Protein change: p.Ala1321fs; shifts the reading frame from alanine 1321.
Molecular consequence: frameshift variant.
Genome position (GRCh38, 1-based): chr16:88,431,429, C duplicated; the last of 6 consecutive C bases (chr16:88,431,424-88,431,429); duplicating any one gives the same sequence. VCF-style (leftmost placement, unchanged base first): chr16-88431423-A-AC. GRCh37 (hg19) VCF-style: chr16-88497831-A-AC.
Other names: NM_001127464.1:c.3875dup; short protein forms A1321fs.
Identifiers: ClinVar variation 1215692 (VCV001215692.5), dbSNP rs1906174955, ClinGen allele CA2499223732.

ClinVar aggregate classification (germline): Pathogenic/Likely pathogenic. Review status: criteria provided, multiple submitters, no conflicts (2 of 4 stars). 2 submissions from 2 submitters: Pathogenic (1); Likely pathogenic (1). Last evaluated 2024-10-18.

Submissions (2):

Labcorp Genetics (formerly Invitae), Labcorp
Classification: Pathogenic. Last evaluated: 2024-10-18. Review status: criteria provided, single submitter. Criteria: Invitae Variant Classification Sherloc (09022015). Collection method: clinical testing. Allele origin: germline.
Comment: This sequence change creates a premature translational stop signal (p.Ala1293Cysfs*13) in the ZNF469 gene. While this is not anticipated to result in nonsense mediated decay, it is expected to disrupt the last 2633 amino acid(s) of the ZNF469 protein. This variant is not present in population databases (gnomAD no frequency). This variant has not been reported in the literature in individuals affected with ZNF469-related conditions. ClinVar contains an entry for this variant (Variation ID: 1215692). This variant disrupts a region of the ZNF469 protein in which other variant(s) (p.Pro3556Glnfs*136) have been determined to be pathogenic (PMID: 32671420). This suggests that this is a clinically significant region of the protein, and that variants that disrupt it are likely to be disease-causing. For these reasons, this variant has been classified as Pathogenic.

GeneDx
Classification: Likely pathogenic. Last evaluated: 2019-07-16. Review status: criteria provided, single submitter. Criteria: GeneDx Variant Classification Process June 2021. Collection method: clinical testing. Allele origin: germline. Affected: yes.
Comment: Has not been previously published as pathogenic or benign to our knowledge; Not observed in large population cohorts (Lek et al., 2016); Frameshift variant predicted to result in protein truncation, as the last 2633 amino acids are lost and replaced with 12 incorrect amino acids (Stenson et al., 2014)

Literature cited by the submitters: PubMed 32671420 (cited by Labcorp Genetics (formerly Invitae), Labcorp).